The following is an entry in ClinVar:

ClinVar aggregate classification (germline): Uncertain significance (1 of 4 stars; one submission).

Conditions:
Mandibular hypoplasia-deafness-progeroid syndrome. Also called: Mandibular hypoplasia, deafness, progeroid features, and lipodystrophy syndrome. Identifiers: Orphanet 363649, MedGen C3715192, MONDO:0014157, OMIM 615381.

Allele frequency attached by ClinVar (database versions not stated): gnomAD exomes below 0.00001.
gnomAD v4.1: 1 of 1,612,190 alleles (0.000062%); highest among the groups gnomAD compares: Non-Finnish European, 0.000085%; no homozygotes.

Submission:

Centre for Mendelian Genomics, University Medical Centre Ljubljana
Classification: Uncertain significance for Mandibular hypoplasia-deafness-progeroid syndrome. Last evaluated: 2019-05-09. Review status: criteria provided, single submitter. Criteria: ACMG Guidelines, 2015. Collection method: clinical testing. Allele origin: unknown. Affected: yes.
Comment: This variant was classified as: Uncertain significance. The available evidence on this variant's pathogenicity is insufficient or conflicting. The following ACMG criteria were applied in classifying this variant: BP4.

NM_002691.4(POLD1):c.2221G>A (p.Val741Met)

Gene: POLD1 (DNA polymerase delta 1, catalytic subunit; plus strand). Cytogenetic location: 19q13.33.
Variant type: single nucleotide variant.
Coding change: c.2221G>A on transcript NM_002691.4 (MANE Select); coding-DNA position 2221, G replaced by A.
Protein change: p.Val741Met; replaces valine 741 with methionine.
Molecular consequence: missense variant. On other transcripts: non-coding transcript variant (1).
Genome position (GRCh38, 1-based): chr19:50,413,492, G>A. VCF-style: chr19-50413492-G-A. GRCh37 (hg19) VCF-style: chr19-50916749-G-A.
Other names: c.2221G>A, p.Val741Met (NM_001256849.1); c.2299G>A, p.Val767Met (NM_001308632.1); short protein forms V767M, V741M.
Identifiers: ClinVar variation 932036 (VCV000932036.3), dbSNP rs2039160475, ClinGen allele CA406983725.